The following is an entry in ClinVar:

ClinVar aggregate classification (germline): Uncertain significance (1 of 4 stars; one submission).

Conditions:
Evans syndrome, immunodeficiency, and premature immunosenescence associated with tripeptidyl-peptidase II deficiency. Identifiers: MedGen CN231723. Disease mechanism: loss of function.

Allele frequency attached by ClinVar (database versions not stated): TOPMed below 0.00001.

Submission:

Labcorp Genetics (formerly Invitae), Labcorp
Classification: Uncertain significance for Evans syndrome, immunodeficiency, and premature immunosenescence associated with tripeptidyl-peptidase II deficiency. Last evaluated: 2023-10-03. Review status: criteria provided, single submitter. Criteria: Invitae Variant Classification Sherloc (09022015). Collection method: clinical testing. Allele origin: germline.
Comment: This sequence change replaces methionine, which is neutral and non-polar, with leucine, which is neutral and non-polar, at codon 1241 of the TPP2 protein (p.Met1241Leu). This variant is not present in population databases (gnomAD no frequency). This variant has not been reported in the literature in individuals affected with TPP2-related conditions. ClinVar contains an entry for this variant (Variation ID: 964015). An algorithm developed to predict the effect of missense changes on protein structure and function (PolyPhen-2) suggests that this variant is likely to be tolerated. In summary, the available evidence is currently insufficient to determine the role of this variant in disease. Therefore, it has been classified as a Variant of Uncertain Significance.

NM_001330588.2(TPP2):c.3760A>C (p.Met1254Leu)

Gene: TPP2 (tripeptidyl peptidase 2; plus strand). Cytogenetic location: 13q33.1.
Variant type: single nucleotide variant.
Coding change: c.3760A>C on transcript NM_001330588.2 (MANE Select); coding-DNA position 3760, A replaced by C.
Protein change: p.Met1254Leu; replaces methionine 1254 with leucine.
Molecular consequence: missense variant. On other transcripts: non-coding transcript variant (1).
Genome position (GRCh38, 1-based): chr13:102,678,287, A>C. VCF-style: chr13-102678287-A-C. GRCh37 (hg19) VCF-style: chr13-103330637-A-C.
Other names: c.3847A>C, p.Met1283Leu (NM_001367947.1); c.3721A>C, p.Met1241Leu (NM_003291.4); short protein forms M1241L, M1254L, M1283L.
Identifiers: ClinVar variation 964015 (VCV000964015.7), dbSNP rs1885416542, ClinGen allele CA388472881.